The following is an entry in ClinVar:

NM_001080453.3(INTS1):c.6184+1G>T

Gene: INTS1 (integrator complex subunit 1; minus strand). Cytogenetic location: 7p22.3.
Variant type: single nucleotide variant.
Coding change: c.6184+1G>T on transcript NM_001080453.3 (MANE Select); the canonical splice donor site of the intron after coding-DNA position 6184, G replaced by T.
Molecular consequence: splice donor variant.
Genome position (GRCh38, 1-based): chr7:1,472,272, C>A on the plus strand (G>T on the coding strand, the complement: INTS1 is on the minus strand). VCF-style: chr7-1472272-C-A. GRCh37 (hg19) VCF-style: chr7-1511908-C-A.
Identifiers: ClinVar variation 4813368 (VCV004813368.1).

ClinVar aggregate classification (germline): Likely pathogenic (1 of 4 stars; one submission).

gnomAD v4.1: 1 of 1,550,508 alleles (0.000064%); highest among the groups gnomAD compares: Admixed American, 0.002%; no homozygotes.

Submission:

GeneDx
Classification: Likely pathogenic. Last evaluated: 2025-09-10. Review status: criteria provided, single submitter. Criteria: GeneDx Variant Classification Process June 2021. Collection method: clinical testing. Allele origin: germline. Affected: yes.
Comment: Canonical splice site variant expected to result in aberrant splicing, although in the absence of functional evidence the actual effect of this sequence change is unknown.; Not observed at significant frequency in large population cohorts (gnomAD); Has not been previously published as pathogenic or benign to our knowledge